The following is an entry in ClinVar:

ClinVar aggregate classification (germline): Uncertain significance (1 of 4 stars; one submission).

Conditions:
Oligodontia-cancer predisposition syndrome. Also called: TOOTH AGENESIS-COLORECTAL CANCER SYNDROME. Identifiers: Orphanet 300576, MedGen C1837750, MONDO:0012075, OMIM 608615. Disease mechanism: loss of function.

Submission:

Labcorp Genetics (formerly Invitae), Labcorp
Classification: Uncertain significance for Oligodontia-cancer predisposition syndrome. Last evaluated: 2018-10-30. Review status: criteria provided, single submitter. Criteria: Invitae Variant Classification Sherloc (09022015). Collection method: clinical testing. Allele origin: germline.
Comment: This variant is not present in population databases (ExAC no frequency). In summary, the available evidence is currently insufficient to determine the role of this variant in disease. Therefore, it has been classified as a Variant of Uncertain Significance. Algorithms developed to predict the effect of missense changes on protein structure and function (SIFT, PolyPhen-2, Align-GVGD) all suggest that this variant is likely to be disruptive, but these predictions have not been confirmed by published functional studies and their clinical significance is uncertain. This variant has not been reported in the literature in individuals with AXIN2-related disease. This sequence change replaces serine with tyrosine at codon 193 of the AXIN2 protein (p.Ser193Tyr). The serine residue is highly conserved and there is a large physicochemical difference between serine and tyrosine.

NM_004655.4(AXIN2):c.578C>A (p.Ser193Tyr)

Gene: AXIN2 (axin 2; minus strand). Cytogenetic location: 17q24.1.
Variant type: single nucleotide variant.
Coding change: c.578C>A on transcript NM_004655.4 (MANE Select); coding-DNA position 578, C replaced by A.
Protein change: p.Ser193Tyr; replaces serine 193 with tyrosine.
Molecular consequence: missense variant.
Genome position (GRCh38, 1-based): chr17:65,558,043, G>T on the plus strand (C>A on the coding strand, the complement: AXIN2 is on the minus strand). VCF-style: chr17-65558043-G-T. GRCh37 (hg19) VCF-style: chr17-63554161-G-T.
Other names: c.578C>A (LRG_296t1); c.578C>A, p.Ser193Tyr (NM_001363813.1); short protein forms S193Y.
Identifiers: ClinVar variation 664806 (VCV000664806.8), dbSNP rs1598119405, ClinGen allele CA400680815.